The following is an entry in ClinVar:

NM_001128148.3(TFRC):c.557A>G (p.His186Arg)

Gene: TFRC (transferrin receptor; minus strand). Cytogenetic location: 3q29.
Variant type: single nucleotide variant.
Coding change: c.557A>G on transcript NM_001128148.3 (MANE Select); coding-DNA position 557, A replaced by G.
Protein change: p.His186Arg; replaces histidine 186 with arginine.
Molecular consequence: missense variant. On other transcripts: 5 prime UTR variant (1).
Genome position (GRCh38, 1-based): chr3:196,072,030, T>C on the plus strand (A>G on the coding strand, the complement: TFRC is on the minus strand). VCF-style: chr3-196072030-T-C. GRCh37 (hg19) VCF-style: chr3-195798901-T-C.
Other names: c.314A>G, p.His105Arg (NM_001313965.2); c.-290A>G (NM_001313966.2); c.557A>G, p.His186Arg (NM_003234.4); short protein forms H105R, H186R.
Identifiers: ClinVar variation 2865548 (VCV002865548.3), dbSNP rs1718253026, ClinGen allele CA355576283.

ClinVar aggregate classification (germline): Uncertain significance (1 of 4 stars; one submission).

Allele frequency attached by ClinVar (database versions not stated): gnomAD 0.00001; gnomAD exomes 0.00001; TOPMed below 0.00001.
gnomAD v4.1: 10 of 1,613,372 alleles (0.00062%); highest among the groups gnomAD compares: African/African-American, 0.0013%; no homozygotes.

Submission:

Labcorp Genetics (formerly Invitae), Labcorp
Classification: Uncertain significance. Last evaluated: 2025-03-18. Review status: criteria provided, single submitter. Criteria: Invitae Variant Classification Sherloc (09022015). Collection method: clinical testing. Allele origin: germline.
Comment: This sequence change replaces histidine, which is basic and polar, with arginine, which is basic and polar, at codon 186 of the TFRC protein (p.His186Arg). This variant is not present in population databases (gnomAD no frequency). This variant has not been reported in the literature in individuals affected with TFRC-related conditions. ClinVar contains an entry for this variant (Variation ID: 2865548). Invitae Evidence Modeling of protein sequence and biophysical properties (such as structural, functional, and spatial information, amino acid conservation, physicochemical variation, residue mobility, and thermodynamic stability) indicates that this missense variant is expected to disrupt TFRC protein function with a positive predictive value of 80%. In summary, the available evidence is currently insufficient to determine the role of this variant in disease. Therefore, it has been classified as a Variant of Uncertain Significance.